The following is an entry in ClinVar:

Conditions:
Long QT syndrome 5 (LQT5). Identifiers: Orphanet 101016, Orphanet 768, MedGen C1867904, MONDO:0013372, OMIM 613695.

Submission:

Roden Lab, Vanderbilt University Medical Center
No classification provided (evidence only). Condition: Long QT syndrome 5. Review status: no classification provided. Collection method: in vitro. Allele origin: not applicable. Functional consequence: Effect on ion channel function.
ClinVar note: "not provided" was previously submitted as the classification for the variant. However, the classification appeared to be based only on an observation of functional data so it was converted to no classification on 2025-07-30.

NM_000219.6(KCNE1):c.294G>A (p.Arg98=)

Gene: KCNE1 (potassium voltage-gated channel subfamily E regulatory subunit 1; minus strand). Cytogenetic location: 21q22.12.
Variant type: single nucleotide variant.
Coding change: c.294G>A on transcript NM_000219.6 (MANE Select); coding-DNA position 294, G replaced by A.
Protein change: p.Arg98=; no amino-acid change (arginine 98 retained).
Molecular consequence: synonymous variant.
Genome position (GRCh38, 1-based): chr21:34,449,341, C>T on the plus strand (G>A on the coding strand, the complement: KCNE1 is on the minus strand). VCF-style: chr21-34449341-C-T. GRCh37 (hg19) VCF-style: chr21-35821639-C-T.
Other names: c.294G>A, p.Arg98= (NM_001127668.4, NM_001127669.4, NM_001127670.4 and 4 more transcripts).
Identifiers: ClinVar variation 3374555 (VCV003374555.2).
Genomic context (GRCh38, chr21:34,449,341, plus strand): 5'-GGGTTGTTCTATGGCCAGATGGTTTTCAACGACATAGCACGACCTGTAGCTCTCCAGGAC[C>T]CGGGCCTGGACATAGGCCTTGTCCTTCTCTTGCCAGGCATCGGACTCGATGTAGACGTTG-3'
Protein context (NP_000210.2, residues 88-108): QEKDKAYVQA[Arg98=]VLESYRSCYV